The following is an entry in ClinVar:

ClinVar aggregate classification (germline): Uncertain significance (1 of 4 stars; one submission).

Submission:

Labcorp Genetics (formerly Invitae), Labcorp
Classification: Uncertain significance. Last evaluated: 2022-06-13. Review status: criteria provided, single submitter. Criteria: Invitae Variant Classification Sherloc (09022015). Collection method: clinical testing. Allele origin: germline.
Comment: This variant is not present in population databases (gnomAD no frequency). This sequence change replaces alanine, which is neutral and non-polar, with threonine, which is neutral and polar, at codon 125 of the CHCHD2 protein (p.Ala125Thr). This variant has not been reported in the literature in individuals affected with CHCHD2-related conditions. In summary, the available evidence is currently insufficient to determine the role of this variant in disease. Therefore, it has been classified as a Variant of Uncertain Significance. Algorithms developed to predict the effect of missense changes on protein structure and function (SIFT, PolyPhen-2, Align-GVGD) all suggest that this variant is likely to be disruptive.

NM_016139.4(CHCHD2):c.373G>A (p.Ala125Thr)

Gene: CHCHD2 (coiled-coil-helix-coiled-coil-helix domain containing 2; minus strand). Cytogenetic location: 7p11.2.
Variant type: single nucleotide variant.
Coding change: c.373G>A on transcript NM_016139.4 (MANE Select); coding-DNA position 373, G replaced by A.
Protein change: p.Ala125Thr; replaces alanine 125 with threonine.
Molecular consequence: missense variant.
Genome position (GRCh38, 1-based): chr7:56,102,939, C>T on the plus strand (G>A on the coding strand, the complement: CHCHD2 is on the minus strand). VCF-style: chr7-56102939-C-T. GRCh37 (hg19) VCF-style: chr7-56170632-C-T.
Other names: c.373G>A, p.Ala125Thr (NM_001320327.2); short protein forms A125T.
Identifiers: ClinVar variation 2138851 (VCV002138851.4), dbSNP rs919142826, ClinGen allele CA367612411.